The following is an entry in ClinVar:

ClinVar aggregate classification (germline): Conflicting classifications of pathogenicity. Review status: criteria provided, conflicting classifications (1 of 4 stars). 3 submissions from 3 submitters: Uncertain significance (2); Likely benign (1). Last evaluated 2025-05-26.

Conditions:
Duchenne muscular dystrophy (DMD). Also called: Duchenne Muscular Dystrophy (DMD); MUSCULAR DYSTROPHY, PSEUDOHYPERTROPHIC PROGRESSIVE, DUCHENNE TYPE. Identifiers: Orphanet 98896, MedGen C0013264, MONDO:0010679, OMIM 310200.
Cardiovascular phenotype. Identifiers: MedGen CN230736.

Allele frequency attached by ClinVar (database versions not stated): TOPMed below 0.00001; gnomAD 0.00001; gnomAD exomes below 0.00001.
gnomAD v4.1: 3 of 1,207,116 alleles (0.00025%); highest among the groups gnomAD compares: African/African-American, 0.0018%; no homozygotes.

Submissions (3):

Labcorp Genetics (formerly Invitae), Labcorp
Classification: Likely benign for Duchenne muscular dystrophy. Last evaluated: 2025-05-26. Review status: criteria provided, single submitter. Criteria: Invitae Variant Classification Sherloc (09022015). Collection method: clinical testing. Allele origin: germline.

Athena Diagnostics
Classification: Uncertain significance. Last evaluated: 2022-12-21. Review status: criteria provided, single submitter. Criteria: Athena Diagnostics Criteria. Collection method: clinical testing. Allele origin: unknown.
Comment: Available data are insufficient to determine the clinical significance of the variant at this time. The frequency of this variant in the general population is uninformative in assessment of its pathogenicity. This variant has been seen where an alternate explanation for disease was also identified, suggesting this variant may not cause disease. Computational tools disagree on the variant's effect on normal protein function. According to published research, less than 2% of dystrophin-related disease is due to missense mutation (Flanigan, et al. 2009. Hum Mutat 30: 1657-66. PMID: 19937601).

Ambry Genetics
Classification: Uncertain significance for Cardiovascular phenotype. Last evaluated: 2022-05-19. Review status: criteria provided, single submitter. Criteria: Ambry Variant Classification Scheme 2023. Collection method: clinical testing. Allele origin: germline.
Comment: The p.N1970S variant (also known as c.5909A>G), located in coding exon 41 of the DMD gene, results from an A to G substitution at nucleotide position 5909. The asparagine at codon 1970 is replaced by serine, an amino acid with highly similar properties. Based on data from gnomAD, the G allele has an overall frequency of 0.0046% (1/21723) total alleles studied, with 1 hemizygote observed. The highest observed frequency was 0.0172% (1/5789) of African/African American alleles. This amino acid position is highly conserved in available vertebrate species. In addition, this alteration is predicted to be tolerated by in silico analysis. Since supporting evidence is limited at this time, the clinical significance of this alteration remains unclear.

NM_004006.3(DMD):c.5909A>G (p.Asn1970Ser)

Gene: DMD (dystrophin; minus strand). Cytogenetic location: Xp21.1.
Variant type: single nucleotide variant.
Coding change: c.5909A>G on transcript NM_004006.3 (MANE Select); coding-DNA position 5909, A replaced by G.
Protein change: p.Asn1970Ser; replaces asparagine 1970 with serine.
Molecular consequence: missense variant.
Genome position (GRCh38, 1-based): chrX:32,342,113, T>C on the plus strand (A>G on the coding strand, the complement: DMD is on the minus strand). VCF-style: chrX-32342113-T-C. GRCh37 (hg19) VCF-style: chrX-32360230-T-C.
Other names: c.5885A>G, p.Asn1962Ser (NM_000109.4); c.5897A>G, p.Asn1966Ser (NM_004009.3); c.5540A>G, p.Asn1847Ser (NM_004010.3); c.1886A>G, p.Asn629Ser (NM_004011.4); c.1877A>G, p.Asn626Ser (NM_004012.4); short protein forms N629S, N1970S, N1847S, N1962S, N1966S, N626S.
Identifiers: ClinVar variation 1436739 (VCV001436739.11), dbSNP rs951731570, ClinGen allele CA327981594.
Genomic context (GRCh38, chrX:32,342,113, plus strand): 5'-GAGTAGTAGTTGCAAACACATACGTGGGTTTGCCAGTAACAACTCACAATTTGTGCAAAG[T>C]TGAGTCTTCGAAACTGAGCAAATTTGCTCTCAATTTCCCGCCAGCGCTTGCTGAGCTGGA-3'
Protein context (NP_003997.2, residues 1960-1980): ESKFAQFRRL[Asn1970Ser]FAQIHTVREE